The following is an entry in ClinVar:

ClinVar aggregate classification (germline): Uncertain significance (1 of 4 stars; one submission).

Conditions:
Cardiovascular phenotype. Identifiers: MedGen CN230736.

gnomAD v4.1: 1 of 1,371,820 alleles (0.000073%); highest among the groups gnomAD compares: Non-Finnish European, 0.000094%; no homozygotes.

Submission:

Ambry Genetics
Classification: Uncertain significance for Cardiovascular phenotype. Last evaluated: 2024-10-21. Review status: criteria provided, single submitter. Criteria: Ambry Variant Classification Scheme 2023. Collection method: clinical testing. Allele origin: germline.
Comment: The p.A44S variant (also known as c.130G>T), located in coding exon 1 of the GATAD1 gene, results from a G to T substitution at nucleotide position 130. The alanine at codon 44 is replaced by serine, an amino acid with similar properties. This amino acid position is conserved. In addition, this alteration is predicted to be tolerated by in silico analysis. Based on the available evidence, the clinical significance of this variant remains unclear.

NM_021167.5(GATAD1):c.130G>T (p.Ala44Ser)

Genes: GATAD1 (GATA zinc finger domain containing 1; plus strand), LOC129998793 (ATAC-STARR-seq lymphoblastoid silent region 18371; plus strand). Cytogenetic location: 7q21.2.
Variant type: single nucleotide variant.
Coding change: c.130G>T on transcript NM_021167.5 (MANE Select); coding-DNA position 130, G replaced by T.
Protein change: p.Ala44Ser; replaces alanine 44 with serine.
Molecular consequence: missense variant. On other transcripts: non-coding transcript variant (1).
Genome position (GRCh38, 1-based): chr7:92,447,859, G>T. VCF-style: chr7-92447859-G-T. GRCh37 (hg19) VCF-style: chr7-92077173-G-T.
Other names: short protein forms A44S.
Identifiers: ClinVar variation 3519083 (VCV003519083.1).
Genomic context (GRCh38, chr7:92,447,859, plus strand): 5'-GCGCAGGGGGAGATCCTCTGCCATCATTGCACTGGCCGGGGCGGCGCGGGCAGCGGGGGC[G>T]CAGGCTCGGGGGCGGCTGGAGGGACTGGGGGCAGCGGCGGCGGCGGCTTCGGCGCGGCGA-3'
Protein context (NP_066990.3, residues 34-54): TGRGGAGSGG[Ala44Ser]GSGAAGGTGG